The following is an entry in ClinVar:

ClinVar aggregate classification (germline): Uncertain significance. Review status: criteria provided, multiple submitters, no conflicts (2 of 4 stars). 2 submissions from 2 submitters: Uncertain significance (2). Last evaluated 2024-11-24.

Allele frequency attached by ClinVar (database versions not stated): TOPMed 0.00002; gnomAD 0.00003; gnomAD exomes 0.00004; ExAC 0.00008; ESP Exome Variant Server 0.00008.
gnomAD v4.1: 69 of 1,609,372 alleles (0.0043%); highest among the groups gnomAD compares: Non-Finnish European, 0.0053%; no homozygotes.

Submissions (2):

Ambry Genetics
Classification: Uncertain significance. Last evaluated: 2024-11-24. Review status: criteria provided, single submitter. Criteria: Ambry Variant Classification Scheme 2023. Collection method: clinical testing. Allele origin: germline.
Comment: The p.A173V variant (also known as c.518C>T), located in coding exon 3 of the ATRIP gene, results from a C to T substitution at nucleotide position 518. The alanine at codon 173 is replaced by valine, an amino acid with similar properties. This amino acid position is conserved. In addition, this alteration is predicted to be tolerated by in silico analysis. Based on the available evidence, the clinical significance of this variant remains unclear.

Labcorp Genetics (formerly Invitae), Labcorp
Classification: Uncertain significance. Last evaluated: 2024-09-15. Review status: criteria provided, single submitter. Criteria: Invitae Variant Classification Sherloc (09022015). Collection method: clinical testing. Allele origin: germline.
Comment: This sequence change replaces alanine, which is neutral and non-polar, with valine, which is neutral and non-polar, at codon 173 of the ATRIP protein (p.Ala173Val). This variant is present in population databases (rs368316197, gnomAD 0.008%). This variant has not been reported in the literature in individuals affected with ATRIP-related conditions. ClinVar contains an entry for this variant (Variation ID: 2194671). An algorithm developed to predict the effect of missense changes on protein structure and function outputs the following: PolyPhen-2: "Probably Damaging". The valine amino acid residue is found in multiple mammalian species, which suggests that this missense change does not adversely affect protein function. In summary, the available evidence is currently insufficient to determine the role of this variant in disease. Therefore, it has been classified as a Variant of Uncertain Significance.

NM_130384.3(ATRIP):c.518C>T (p.Ala173Val)

Genes: ATRIP (ATR interacting protein; plus strand), ATRIP-TREX1 (ATRIP-TREX1 readthrough; plus strand). Cytogenetic location: 3p21.31.
Variant type: single nucleotide variant.
Coding change: c.518C>T on transcript NM_130384.3 (MANE Select); coding-DNA position 518, C replaced by T.
Protein change: p.Ala173Val; replaces alanine 173 with valine.
Molecular consequence: missense variant. On other transcripts: non-coding transcript variant (1).
Genome position (GRCh38, 1-based): chr3:48,451,865, C>T. VCF-style: chr3-48451865-C-T. GRCh37 (hg19) VCF-style: chr3-48493271-C-T.
Other names: c.518C>T (NM_130384.1); c.137C>T, p.Ala46Val (NM_001271022.2); c.239C>T, p.Ala80Val (NM_001271023.2); c.518C>T, p.Ala173Val (NM_032166.4); short protein forms A173V, A80V, A46V.
Identifiers: ClinVar variation 2194671 (VCV002194671.6), dbSNP rs368316197, ClinGen allele CA2375992.